The following is an entry in ClinVar:

ClinVar aggregate classification (germline): Pathogenic/Likely pathogenic. Review status: criteria provided, multiple submitters, no conflicts (2 of 4 stars). 2 submissions from 2 submitters: Pathogenic (1); Likely pathogenic (1). Last evaluated 2025-02-19.

Conditions:
Retinitis pigmentosa 56 (RP56). Identifiers: Orphanet 791, MedGen C3150819, MONDO:0013314, OMIM 613581.

Submissions (2):

Labcorp Genetics (formerly Invitae), Labcorp
Classification: Pathogenic. Last evaluated: 2025-02-19. Review status: criteria provided, single submitter. Criteria: Invitae Variant Classification Sherloc (09022015). Collection method: clinical testing. Allele origin: germline.
Comment: This sequence change creates a premature translational stop signal (p.Val45Phefs*14) in the IMPG2 gene. It is expected to result in an absent or disrupted protein product. Loss-of-function variants in IMPG2 are known to be pathogenic (PMID: 20673862). This variant is not present in population databases (gnomAD no frequency). This variant has not been reported in the literature in individuals affected with IMPG2-related conditions. For these reasons, this variant has been classified as Pathogenic.

Juno Genomics, Hangzhou Juno Genomics, Inc
Classification: Likely pathogenic for Retinitis pigmentosa 56. Review status: criteria provided, single submitter. Criteria: ACMG Guidelines, 2015. Collection method: clinical testing. Allele origin: germline.
Comment: Null variant in a gene where loss of function (LOF) is a known mechanism of disease.;Absent from controls (or at extremely low frequency if recessive) in Genome Aggregation Database.

Literature cited by the submitters: PubMed 20673862 (cited by Labcorp Genetics (formerly Invitae), Labcorp).

NM_016247.4(IMPG2):c.132del (p.Val45fs)

Gene: IMPG2 (interphotoreceptor matrix proteoglycan 2; minus strand). Cytogenetic location: 3q12.3.
Variant type: Deletion.
Coding change: c.132del on transcript NM_016247.4 (MANE Select); coding-DNA position 132, one base deleted (A; older notation c.132delA).
Protein change: p.Val45fs; shifts the reading frame from valine 45.
Molecular consequence: frameshift variant.
Genome position (GRCh38, 1-based): chr3:101,319,786, T deleted on the plus strand (A on the coding strand, the reverse complement: IMPG2 is on the minus strand). VCF-style (leftmost placement, unchanged base first): chr3-101319785-CT-C. GRCh37 (hg19) VCF-style: chr3-101038629-CT-C.
Other names: short protein forms V45fs.
Identifiers: ClinVar variation 4710465 (VCV004710465.3).
Genomic context (GRCh38, chr3:101,319,785, plus strand): 5'-GCTGTTTCTTTTTGGTAGCTAGAGAAAGGTCTGTTGATTCTTCAGGCAGGAGAAAAGAAA[CT>C]GCACTCTTGGGTTCTTGGATCTCCTCTATAGATAAGTAGGTTTGTGCTACAGAGTGAAAG-3'